The following is an entry in ClinVar:

ClinVar aggregate classification (germline): Uncertain significance (1 of 4 stars; one submission).

Conditions:
Hypertrophic cardiomyopathy. Also called: HYPERTROPHIC MYOCARDIOPATHY. Identifiers: Orphanet 217569, MedGen C0007194, MeSH D002312, MONDO:0005045, HP:0001639.

Submission:

Labcorp Genetics (formerly Invitae), Labcorp
Classification: Uncertain significance for Hypertrophic cardiomyopathy. Last evaluated: 2021-11-28. Review status: criteria provided, single submitter. Criteria: Invitae Variant Classification Sherloc (09022015). Collection method: clinical testing. Allele origin: germline.
Comment: This sequence change falls in intron 7 of the TPM1 gene. It does not directly change the encoded amino acid sequence of the TPM1 protein. It affects a nucleotide within the consensus splice site. This variant is not present in population databases (gnomAD no frequency). This variant has not been reported in the literature in individuals affected with TPM1-related conditions. Variants that disrupt the consensus splice site are a relatively common cause of aberrant splicing (PMID: 17576681, 9536098). Algorithms developed to predict the effect of sequence changes on RNA splicing suggest that this variant is not likely to affect RNA splicing. In summary, the available evidence is currently insufficient to determine the role of this variant in disease. Therefore, it has been classified as a Variant of Uncertain Significance.

Literature cited by the submitters: PubMed 17576681; PubMed 9536098.

NM_001018005.2(TPM1):c.702+5T>C

Gene: TPM1 (tropomyosin 1; plus strand). Cytogenetic location: 15q22.2.
Variant type: single nucleotide variant.
Coding change: c.702+5T>C on transcript NM_001018005.2 (MANE Select); 5 bases into the intron after coding-DNA position 702, T replaced by C.
Molecular consequence: intron variant.
Genome position (GRCh38, 1-based): chr15:63,062,282, T>C. VCF-style: chr15-63062282-T-C. GRCh37 (hg19) VCF-style: chr15-63354481-T-C.
Other names: c.828+5T>C (NM_001365778.1); c.702+5T>C (NM_001018020.2, NM_001018007.2, NM_001018006.2 and 6 more transcripts); c.594+5T>C (NM_001330351.2, NM_001330344.2, NM_001018008.2 and 5 more transcripts).
Identifiers: ClinVar variation 1354156 (VCV001354156.6), dbSNP rs2140970259, ClinGen allele CA2573151033.